The following is an entry in ClinVar:

NM_175914.5(HNF4A):c.734G>A (p.Arg245His)

Gene: HNF4A (hepatocyte nuclear factor 4 alpha; plus strand). Cytogenetic location: 20q13.12.
Variant type: single nucleotide variant.
Coding change: c.734G>A on transcript NM_175914.5 (MANE Select); coding-DNA position 734, G replaced by A.
Protein change: p.Arg245His; replaces arginine 245 with histidine.
Molecular consequence: missense variant.
Genome position (GRCh38, 1-based): chr20:44,419,784, G>A. VCF-style: chr20-44419784-G-A. GRCh37 (hg19) VCF-style: chr20-43048424-G-A.
Other names: NM_175914.5:c.734G>A; c.800G>A, p.Arg267His (NM_000457.6, NM_178849.3, NM_178850.3); c.734G>A, p.Arg245His (NM_001030003.3, NM_001030004.3); c.779G>A, p.Arg260His (NM_001258355.2); c.725G>A, p.Arg242His (NM_001287182.2, NM_001287183.2, NM_001287184.2); short protein forms R242H, R245H, R260H, R267H.
Identifiers: ClinVar variation 2581134 (VCV002581134.4), dbSNP rs1032055611, ClinGen allele CA315411422.

ClinVar aggregate classification (germline): Pathogenic. Review status: reviewed by expert panel (3 of 4 stars). 3 submissions from 3 submitters: Pathogenic (1). 2 of the submissions do not count toward it. Last evaluated 2023-09-15.

Conditions:
Monogenic diabetes. Identifiers: Orphanet 183625, MedGen C3888631, MONDO:0015967.
Maturity-onset diabetes of the young (MODY). Also called: Maturity onset diabetes mellitus in young. Identifiers: Orphanet 552, MedGen C0342276, MONDO:0018911, HP:0004904.
Type 2 diabetes mellitus. Also called: Type II diabetes mellitus. Identifiers: MedGen C0011860, MeSH D003924, MONDO:0005148, OMIM 125853, HP:0005978.
Fanconi renotubular syndrome 4 with maturity-onset diabetes of the young (FRTS4). Also called: FRTS4 WITH MODY. Identifiers: Orphanet 93111, MedGen C4014962, MONDO:0014458, OMIM 616026.
Maturity-onset diabetes of the young type 1. Also called: MILD JUVENILE DIABETES MELLITUS; MODY, type I; MODY type 1; Diabetes mellitus MODY type 1; MODY HNF4A related; HNF4A-Related Maturity-Onset Diabetes of the Young Type 1. Identifiers: Orphanet 552, MedGen C1852093, MONDO:0007452, OMIM 125850. Disease mechanism: loss of function.

Allele frequency attached by ClinVar (database versions not stated): gnomAD exomes below 0.00001.

Submissions (3):

ClinGen Monogenic Diabetes Variant Curation Expert Panel
Classification: Pathogenic for Monogenic diabetes. Last evaluated: 2023-09-15. Review status: reviewed by expert panel. Criteria: ClinGen Monogenic Diabetes ACMG Specifications HNF4A V1.1.0. Collection method: curation. Allele origin: germline. Inheritance: Autosomal dominant inheritance.
Comment: The c.734G>A variant in the HNF4A gene causes an amino acid change of arginine to histidine at codon 245 (p.Arg254His) of NM_175914.4. Functional studies demonstrated the p.Arg254His protein has transactivation below 60% of wildtype, indicating that this variant impacts protein function (PS3_Supporting; PMID: 30325586). This variant was identified in 7 unrelated individuals with non- autoimmune and non-absolute/near-absolute insulin-deficient diabetes (PS4; internal lab collaborators, PMIDs: 30325586, 21922456). This variant is absent from gnomAD v2.1.1 (PM2_Supporting). Another missense variant, c.733C>T p.Arg245Cys, has been classified as pathogenic by the ClinGen MDEP but has a greater Grantham distance than p.Arg345His (PM5_Supporting). This variant segregated with diabetes, with at least 4 informative meioses in 3 families (PP1_Strong; internal lab collaborators). This variant is predicted to be deleterious by computational evidence, with a REVEL score of 0.92, which is greater than the MDEP VCEP threshold of 0.70 (PP3). This variant was identified in an individual with a clinical history highly specific for HNF4A-MODY (MODY probability calculator result >50%, negative genetic testing for HNF1A, and personal history of being large for gestational age) (PP4_Moderate; internal lab collaborators). In summary, c.734G>A meets the criteria to be classified as pathogenic for monogenic diabetes. ACMG/AMP criteria applied, as specified by the ClinGen MDEP (specification version 1.1.0, approved 8/11/2023): PS3_Supporting, PS4, PM2_Supporting, PM5_Supporting, PP1_Strong, PP3, PP4_Moderate.

Women's Health and Genetics/Laboratory Corporation of America, LabCorp
Classification: Pathogenic for Maturity-onset diabetes of the young. Last evaluated: 2024-05-06. Review status: criteria provided, single submitter. Criteria: LabCorp Variant Classification Summary - May 2015. Collection method: clinical testing. Allele origin: germline. Not counted in ClinVar's aggregate classification.
Comment: Variant summary: HNF4A c.734G>A (p.Arg245His) results in a non-conservative amino acid change located in the Nuclear hormone receptor, ligand-binding domain (IPR000536) of the encoded protein sequence. Five of five in-silico tools predict a damaging effect of the variant on protein function. The variant was absent in 251468 control chromosomes. c.734G>A has been reported in the literature in individuals affected with Maturity Onset Diabetes Of The Young 1/Neonatal Diabetes Mellitus (Motzkau_2012, Sugawara_2019). Additionally another missense variant (c.733C>T, R245C) has been classified as pathogenic by ClinGen Monogenic Variant Curation Expert panel. These data indicate that the variant is likely to be associated with disease. At least one publication reports experimental evidence evaluating an impact on protein function. The most pronounced variant effect results in <50% of normal transactivation activity (Sugawara_2019). The following publications have been ascertained in the context of this evaluation (PMID: 21922456, 30325586). ClinVar contains an entry for this variant (Variation ID: 2581134). Based on the evidence outlined above, the variant was classified as pathogenic.

Juno Genomics, Hangzhou Juno Genomics, Inc
Classification: Pathogenic for Type 2 diabetes mellitus; Fanconi renotubular syndrome 4 with maturity-onset diabetes of the young; Maturity-onset diabetes of the young type 1. Review status: criteria provided, single submitter. Criteria: ACMG Guidelines, 2015. Collection method: clinical testing. Allele origin: germline. Not counted in ClinVar's aggregate classification.
Comment: Absent from controls (or at extremely low frequency if recessive) in Genome Aggregation Database.;Well-established in vitro or in vivo functional studies supportive of a damaging effect on the gene or gene product.;Novel missense change at an amino acid residue where a different missense change determined to be pathogenic has been seen before.;The prevalence of the variant in affected individuals is significantly increased compared to the prevalence in controls.;Co-segregation with disease in multiple affected family members.;Patient's phenotype or family history is highly specific for a disease with a single genetic etiology.

Literature cited by the submitters: PubMed 21922456 (cited by Women's Health and Genetics/Laboratory Corporation of America, LabCorp); PubMed 30325586 (cited by Women's Health and Genetics/Laboratory Corporation of America, LabCorp).